The following is an entry in ClinVar:

NM_021922.3(FANCE):c.929C>A (p.Pro310Gln)

Gene: FANCE (FA complementation group E; plus strand). Cytogenetic location: 6p21.31.
Variant type: single nucleotide variant.
Coding change: c.929C>A on transcript NM_021922.3 (MANE Select); coding-DNA position 929, C replaced by A.
Protein change: p.Pro310Gln; replaces proline 310 with glutamine.
Molecular consequence: missense variant.
Genome position (GRCh38, 1-based): chr6:35,457,944, C>A. VCF-style: chr6-35457944-C-A. GRCh37 (hg19) VCF-style: chr6-35425721-C-A.
Other names: short protein forms P310Q.
Identifiers: ClinVar variation 134336 (VCV000134336.14), dbSNP rs139600847, ClinGen allele CA159535.
Genomic context (GRCh38, chr6:35,457,944, plus strand): 5'-TGCCAGCCCTAACATGAGATTTGTCTCCCCAGGGGTTAGAGGGATTGGAGGATGCCCCCC[C>A]AGTTGAGCTACAGCTTCTTCACGAATGTAGTCCCAGCCAGGTGAGTCCAGATGACTGCCT-3'
Protein context (NP_068741.1, residues 300-320): EGLEGLEDAP[Pro310Gln]VELQLLHECS

ClinVar aggregate classification (germline): Conflicting classifications of pathogenicity. Review status: criteria provided, conflicting classifications (1 of 4 stars). 6 submissions from 6 submitters: Likely pathogenic (1); Uncertain significance (4). 1 of the submissions does not count toward it. Last evaluated 2025-01-29.

Conditions:
Exstrophy-epispadias complex. Also called: OMPHALOCELE-EXSTROPHY-IMPERFORATE ANUS-SPINAL DEFECTS; OEIS complex. Identifiers: Orphanet 322, Orphanet 93929, MedGen C1850321, MONDO:0017919, OMIM 258040.
Ovarian cancer. Also called: OVARIAN CANCER, SOMATIC. Identifiers: Orphanet 213500, MedGen C1140680, MONDO:0008170, OMIM 167000.
Fanconi anemia complementation group E (FANCE). Also called: FANCE-Related Fanconi Anemia. Identifiers: Orphanet 84, MedGen C3160739, MONDO:0010953, OMIM 600901.

Allele frequency attached by ClinVar (database versions not stated): 1000 Genomes Project 30x 0.00016.
gnomAD v4.1: 267 of 1,614,184 alleles (0.017%); highest among the groups gnomAD compares: Middle Eastern, 0.082%; no homozygotes.

Submissions (6):

Labcorp Genetics (formerly Invitae), Labcorp
Classification: Uncertain significance for Fanconi anemia complementation group E. Last evaluated: 2025-01-29. Review status: criteria provided, single submitter. Criteria: Invitae Variant Classification Sherloc (09022015). Collection method: clinical testing. Allele origin: germline.
Comment: This sequence change replaces proline, which is neutral and non-polar, with glutamine, which is neutral and polar, at codon 310 of the FANCE protein (p.Pro310Gln). This variant is present in population databases (rs139600847, gnomAD 0.03%). This variant has not been reported in the literature in individuals affected with FANCE-related conditions. ClinVar contains an entry for this variant (Variation ID: 134336). Invitae Evidence Modeling of protein sequence and biophysical properties (such as structural, functional, and spatial information, amino acid conservation, physicochemical variation, residue mobility, and thermodynamic stability) indicates that this missense variant is expected to disrupt FANCE protein function with a positive predictive value of 80%. In summary, the available evidence is currently insufficient to determine the role of this variant in disease. Therefore, it has been classified as a Variant of Uncertain Significance.

Fulgent Genetics
Classification: Uncertain significance for Fanconi anemia complementation group E. Last evaluated: 2024-06-05. Review status: criteria provided, single submitter. Criteria: ACMG Guidelines, 2015. Collection method: clinical testing. Allele origin: germline.

Laboratory of Molecular Epidemiology of Birth Defects, West China Second University Hospital, Sichuan University
Classification: Likely pathogenic for Ovarian cancer. Last evaluated: 2022-01-01. Review status: criteria provided, single submitter. Criteria: ACMG Guidelines, 2015. Collection method: clinical testing. Allele origin: germline. Affected: yes.

Illumina Laboratory Services, Illumina
Classification: Uncertain significance for Fanconi anemia complementation group E. Last evaluated: 2017-04-27. Review status: criteria provided, single submitter. Criteria: ICSL Variant Classification Criteria 13 December 2019. Collection method: clinical testing. Allele origin: germline.
Comment: This variant was observed as part of a predisposition screen in an ostensibly healthy population. A literature search was performed for the gene, cDNA change, and amino acid change (where applicable). Publications were found based on this search. However, the evidence from the literature, in combination with allele frequency data from public databases where available, was not sufficient to rule this variant in or out of causing disease. Therefore, this variant is classified as a variant of unknown significance.

Obstetrics and Gynecology Department, Johns Hopkins School Of Medicine
Classification: Uncertain significance for Exstrophy-epispadias complex. Review status: criteria provided, single submitter. Criteria: ACMG Guidelines, 2015. Collection method: curation. Allele origin: de novo. Affected: yes.

ITMI
No classification provided. Condition: AllHighlyPenetrant. Last evaluated: 2013-09-19. Review status: no classification provided. Collection method: reference population. Allele origin: germline. Not counted in ClinVar's aggregate classification.
Comment: Please see associated publication for description of ethnicities

Literature cited by the submitters: PubMed 24728327 (cited by Illumina Laboratory Services, Illumina and ITMI).